The following is an entry in ClinVar:

ClinVar aggregate classification (germline): Uncertain significance. Review status: criteria provided, multiple submitters, no conflicts (2 of 4 stars). 2 submissions from 2 submitters: Uncertain significance (2). Last evaluated 2025-10-09.

Conditions:
Hereditary cancer-predisposing syndrome. Also called: Neoplastic Syndromes, Hereditary; Hereditary Cancer Syndrome; Tumor predisposition; Hereditary neoplastic syndrome. Identifiers: Orphanet 140162, MedGen C0027672, MeSH D009386, MONDO:0015356.
Hereditary breast ovarian cancer syndrome. Also called: Hereditary breast and ovarian cancer syndrome (HBOC); Breast and ovarian cancer; BRCA1- and BRCA2-Associated Hereditary Breast and Ovarian Cancer; Hereditary breast and ovarian cancer syndrome; Hereditary breast and ovarian cancer; Hereditary breast and/or ovarian cancer syndrome. Identifiers: Orphanet 145, MedGen C0677776, MeSH D061325, MONDO:0003582. Disease mechanism: loss of function.

Submissions (2):

Ambry Genetics
Classification: Uncertain significance for Hereditary cancer-predisposing syndrome. Last evaluated: 2025-10-09. Review status: criteria provided, single submitter. Criteria: Ambry Variant Classification Scheme 2023. Collection method: clinical testing. Allele origin: germline.
Comment: The p.H52Q variant (also known as c.156T>G), located in coding exon 2 of the BRCA2 gene, results from a T to G substitution at nucleotide position 156. The histidine at codon 52 is replaced by glutamine, an amino acid with highly similar properties. This amino acid position is conserved. In addition, this alteration is predicted to be tolerated by in silico analysis. Since supporting evidence is limited at this time, the clinical significance of this alteration remains unclear.

Labcorp Genetics (formerly Invitae), Labcorp
Classification: Uncertain significance for Hereditary breast ovarian cancer syndrome. Last evaluated: 2022-12-15. Review status: criteria provided, single submitter. Criteria: Invitae Variant Classification Sherloc (09022015). Collection method: clinical testing. Allele origin: germline.
Comment: In summary, the available evidence is currently insufficient to determine the role of this variant in disease. Therefore, it has been classified as a Variant of Uncertain Significance. Advanced modeling of protein sequence and biophysical properties (such as structural, functional, and spatial information, amino acid conservation, physicochemical variation, residue mobility, and thermodynamic stability) performed at Invitae indicates that this missense variant is not expected to disrupt BRCA2 protein function. This variant has not been reported in the literature in individuals affected with BRCA2-related conditions. This variant is not present in population databases (gnomAD no frequency). This sequence change replaces histidine, which is basic and polar, with glutamine, which is neutral and polar, at codon 52 of the BRCA2 protein (p.His52Gln).

NM_000059.4(BRCA2):c.156T>G (p.His52Gln)

Gene: BRCA2 (BRCA2 DNA repair associated; plus strand). Cytogenetic location: 13q13.1.
Variant type: single nucleotide variant.
Coding change: c.156T>G on transcript NM_000059.4 (MANE Select); coding-DNA position 156, T replaced by G.
Protein change: p.His52Gln; replaces histidine 52 with glutamine.
Molecular consequence: missense variant.
Genome position (GRCh38, 1-based): chr13:32,319,165, T>G. VCF-style: chr13-32319165-T-G. GRCh37 (hg19) VCF-style: chr13-32893302-T-G.
Other names: c.156T>G, p.His52Gln (NM_001406719.1, NM_001406720.1, NM_001406721.1); c.-214T>G (NM_001406722.1); short protein forms H52Q.
Identifiers: ClinVar variation 1915314 (VCV001915314.8), dbSNP rs2548511248, ClinGen allele CA387754296.
Genomic context (GRCh38, chr13:32,319,165, plus strand): 5'-TGAAGAACTTTCTTCAGAAGCTCCACCCTATAATTCTGAACCTGCAGAAGAATCTGAACA[T>G]AAAAACAACAATTACGAACCAAACCTATTTAAAACTCCACAAAGGAAACCATCTTATAAT-3'
Protein context (NP_000050.3, residues 42-62): YNSEPAEESE[His52Gln]KNNNYEPNLF